The following is an entry in ClinVar:

ClinVar aggregate classification (germline): Uncertain significance (1 of 4 stars; one submission).

Conditions:
Fanconi anemia (FA). Also called: Fanconi's anemia. Identifiers: Orphanet 84, MedGen C0015625, MeSH D005199, MONDO:0019391.

gnomAD v4.1: 1 of 1,614,024 alleles (0.000062%); highest among the groups gnomAD compares: Non-Finnish European, 0.000085%; no homozygotes.

Submission:

Labcorp Genetics (formerly Invitae), Labcorp
Classification: Uncertain significance for Fanconi anemia. Last evaluated: 2025-10-23. Review status: criteria provided, single submitter. Criteria: Invitae Variant Classification Sherloc (09022015). Collection method: clinical testing. Allele origin: germline.
Comment: This sequence change replaces isoleucine, which is neutral and non-polar, with threonine, which is neutral and polar, at codon 1668 of the FANCM protein (p.Ile1668Thr). This variant is not present in population databases (gnomAD no frequency). This variant has not been reported in the literature in individuals affected with FANCM-related conditions. An algorithm developed to predict the effect of missense changes on protein structure and function (PolyPhen-2) suggests that this variant is likely to be disruptive. In summary, the available evidence is currently insufficient to determine the role of this variant in disease. Therefore, it has been classified as a Variant of Uncertain Significance.

NM_020937.4(FANCM):c.5003T>C (p.Ile1668Thr)

Gene: FANCM (FA complementation group M; plus strand). Cytogenetic location: 14q21.2.
Variant type: single nucleotide variant.
Coding change: c.5003T>C on transcript NM_020937.4 (MANE Select); coding-DNA position 5003, T replaced by C.
Protein change: p.Ile1668Thr; replaces isoleucine 1668 with threonine.
Molecular consequence: missense variant.
Genome position (GRCh38, 1-based): chr14:45,189,025, T>C. VCF-style: chr14-45189025-T-C. GRCh37 (hg19) VCF-style: chr14-45658228-T-C.
Other names: c.4925T>C, p.Ile1642Thr (NM_001308133.2); short protein forms I1642T, I1668T.
Identifiers: ClinVar variation 4692598 (VCV004692598.1).